The following is an entry in ClinVar:

ClinVar aggregate classification (germline): Pathogenic/Likely pathogenic. Review status: criteria provided, multiple submitters, no conflicts (2 of 4 stars). 2 submissions from 2 submitters: Pathogenic (1); Likely pathogenic (1). Last evaluated 2024-09-26.

Conditions:
Hereditary cancer-predisposing syndrome. Also called: Neoplastic Syndromes, Hereditary; Hereditary neoplastic syndrome; Tumor predisposition; Hereditary Cancer Syndrome. Identifiers: Orphanet 140162, MedGen C0027672, MeSH D009386, MONDO:0015356.
Hereditary diffuse gastric adenocarcinoma (HDGC). Also called: DIFFUSE GASTRIC AND LOBULAR BREAST CANCER SYNDROME. Identifiers: Orphanet 26106, MedGen C1708349, MONDO:0007648, OMIM 137215.

Submissions (2):

Ambry Genetics
Classification: Likely pathogenic for Hereditary cancer-predisposing syndrome. Last evaluated: 2024-09-26. Review status: criteria provided, single submitter. Criteria: Ambry Variant Classification Scheme 2023. Collection method: clinical testing. Allele origin: germline.
Comment: The c.2164+1G>T intronic variant results from a G to T substitution one nucleotide after coding exon 13 of the CDH1 gene. Alterations that disrupt the canonical splice site are expected to result in aberrant splicing. In silico splice site analysis predicts that this alteration will weaken the native splice donor site; however, direct evidence is insufficient at this time (Ambry internal data). The resulting transcript is predicted to be in-frame and is not expected to trigger nonsense-mediated mRNAdecay; however, direct evidence is unavailable. The exact functional effect of the altered amino acid sequence is unknown; however, the impacted region is critical for protein function and a significant portion of the protein is affected (Ambry internal data). This nucleotide position is highly conserved in available vertebrate species. This variant is considered to be rare based on population cohorts in the Genome Aggregation Database (gnomAD). Based on the majority of available evidence to date, this variant is likely to be pathogenic.

Labcorp Genetics (formerly Invitae), Labcorp
Classification: Pathogenic for Hereditary diffuse gastric adenocarcinoma. Last evaluated: 2023-12-24. Review status: criteria provided, single submitter. Criteria: Invitae Variant Classification Sherloc (09022015). Collection method: clinical testing. Allele origin: germline.
Comment: This sequence change affects a donor splice site in intron 13 of the CDH1 gene. It is expected to disrupt RNA splicing. Variants that disrupt the donor or acceptor splice site typically lead to a loss of protein function (PMID: 16199547), and loss-of-function variants in CDH1 are known to be pathogenic (PMID: 15235021, 20373070). This variant is not present in population databases (gnomAD no frequency). Disruption of this splice site has been observed in individuals with hereditary diffuse gastric cancer and/or lobular breast cancer (PMID: 23709761; Invitae). Algorithms developed to predict the effect of sequence changes on RNA splicing suggest that this variant may disrupt the consensus splice site. For these reasons, this variant has been classified as Pathogenic.

Literature cited by the submitters: PubMed 16199547 (cited by Labcorp Genetics (formerly Invitae), Labcorp); PubMed 15235021 (cited by Labcorp Genetics (formerly Invitae), Labcorp); PubMed 20373070 (cited by Labcorp Genetics (formerly Invitae), Labcorp); PubMed 23709761 (cited by Labcorp Genetics (formerly Invitae), Labcorp).

NM_004360.5(CDH1):c.2164+1G>T

Gene: CDH1 (cadherin 1; plus strand). Cytogenetic location: 16q22.1.
Variant type: single nucleotide variant.
Coding change: c.2164+1G>T on transcript NM_004360.5 (MANE Select); the canonical splice donor site of the intron after coding-DNA position 2164, G replaced by T.
Molecular consequence: splice donor variant.
Genome position (GRCh38, 1-based): chr16:68,823,627, G>T. VCF-style: chr16-68823627-G-T. GRCh37 (hg19) VCF-style: chr16-68857530-G-T.
Other names: c.616+1G>T (NM_001317185.2); c.199+1G>T (NM_001317186.2); c.1981+1G>T (NM_001317184.2); c.2164+1G>T (NM_004360.3).
Identifiers: ClinVar variation 2705198 (VCV002705198.4), dbSNP rs1961238458, ClinGen allele CA396467976.